The following is an entry in ClinVar:

ClinVar aggregate classification (germline): Uncertain significance (1 of 4 stars; one submission).

Conditions:
Asphyxiating thoracic dystrophy 3. Also called: SHORT-RIB THORACIC DYSPLASIA 3 WITH OR WITHOUT POLYDACTYLY; POLYDACTYLY WITH NEONATAL CHONDRODYSTROPHY, TYPE I; SHORT-RIB THORACIC DYSPLASIA 3/6 WITH POLYDACTYLY, DIGENIC; Short rib polydactyly syndrome 2B; Saldino-Noonan Syndrome. Identifiers: Orphanet 474, Orphanet 93269, Orphanet 93270, Orphanet 93271, MedGen C0036069, MONDO:0013127, OMIM 613091.

gnomAD v4.1: 4 of 1,613,178 alleles (0.00025%); highest among the groups gnomAD compares: South Asian, 0.0033%; no homozygotes.

Submission:

Dasa
Classification: Uncertain significance for Asphyxiating thoracic dystrophy 3. Last evaluated: 2025-04-06. Review status: criteria provided, single submitter. Criteria: DASA Assertion Criteria. Collection method: clinical testing. Allele origin: germline.
Comment: NM_001377.3(DYNC2H1):c.2483T>C (p.Met828Thr) is a missense variant that results in the substitution of methionine with threonine. This variant is rare in population databases. The currently available literature and clinical evidence are not sufficient to establish a definitive association between this variant and the reported condition. Therefore, this variant is classified as a variant of uncertain significance.

NM_001377.3(DYNC2H1):c.2483T>C (p.Met828Thr)

Gene: DYNC2H1 (dynein cytoplasmic 2 heavy chain 1; plus strand). Cytogenetic location: 11q22.3.
Variant type: single nucleotide variant.
Coding change: c.2483T>C on transcript NM_001377.3 (MANE Select); coding-DNA position 2483, T replaced by C.
Protein change: p.Met828Thr; replaces methionine 828 with threonine.
Molecular consequence: missense variant.
Genome position (GRCh38, 1-based): chr11:103,135,857, T>C. VCF-style: chr11-103135857-T-C. GRCh37 (hg19) VCF-style: chr11-103006586-T-C.
Other names: c.2483T>C, p.Met828Thr (NM_001080463.2); short protein forms M828T.
Identifiers: ClinVar variation 4882716 (VCV004882716.2).
Genomic context (GRCh38, chr11:103,135,857, plus strand): 5'-GCATTCCAAATCAGTTTAAGGGAGTGGGTGAGGCAGGAGATGAATCTATTTTTTCTATTA[T>C]GATTGATAGAAATGCAAGTGGATTTTTGACGATTTTCAGCAAAGCAGAAGATCTGTTTAG-3'
Protein context (NP_001368.2, residues 818-838): EAGDESIFSI[Met828Thr]IDRNASGFLT